The following is an entry in ClinVar:

ClinVar aggregate classification (germline): Likely benign. Review status: criteria provided, single submitter (1 of 4 stars). 2 submissions from 2 submitters: Likely benign (1). 1 of the submissions does not count toward it. Last evaluated 2019-08-30.

Conditions:
NF1-related disorder. Also called: NF1-related condition. Identifiers: MedGen CN379171.

Submissions (2):

GeneDx
Classification: Likely benign. Last evaluated: 2019-08-30. Review status: criteria provided, single submitter. Criteria: GeneDx Variant Classification Process June 2021. Collection method: clinical testing. Allele origin: germline. Affected: yes.

PreventionGenetics, part of Exact Sciences
Classification: Benign for NF1-related condition. Last evaluated: 2019-08-13. Review status: no assertion criteria provided. Collection method: clinical testing. Allele origin: germline. Not counted in ClinVar's aggregate classification.
Comment: This variant is classified as benign based on ACMG/AMP sequence variant interpretation guidelines (Richards et al. 2015 PMID: 25741868, with internal and published modifications).

NM_001042492.3(NF1):c.3198-6_3198-4del

Gene: NF1 (neurofibromin 1; plus strand). Cytogenetic location: 17q11.2.
Variant type: Deletion.
Coding change: c.3198-6_3198-4del on transcript NM_001042492.3 (MANE Select); 6 bases into the intron before coding-DNA position 3198 through 4 bases into the intron before coding-DNA position 3198, 3 bases deleted (TTT; older notation c.3198-6_3198-4delTTT).
Molecular consequence: intron variant.
Genome position (GRCh38, 1-based): chr17:31,232,067-31,232,069, TTT deleted; deleting any 3 consecutive bases within chr17:31,232,044-31,232,069 gives the same sequence; the c. name uses the placement nearest the transcript's 3' end. VCF-style (leftmost placement, unchanged base first): chr17-31232043-ATTT-A. GRCh37 (hg19) VCF-style: chr17-29559061-ATTT-A.
Other names: c.3198-6_3198-4del (NM_000267.4).
Identifiers: ClinVar variation 1199777 (VCV001199777.5), dbSNP rs371047262, ClinGen allele CA625470956.